The following is an entry in ClinVar:

NM_005419.4(STAT2):c.331C>T (p.Leu111Phe)

Gene: STAT2 (signal transducer and activator of transcription 2; minus strand). Cytogenetic location: 12q13.3.
Variant type: single nucleotide variant.
Coding change: c.331C>T on transcript NM_005419.4 (MANE Select); coding-DNA position 331, C replaced by T.
Protein change: p.Leu111Phe; replaces leucine 111 with phenylalanine.
Molecular consequence: missense variant.
Genome position (GRCh38, 1-based): chr12:56,355,758, G>A on the plus strand (C>T on the coding strand, the complement: STAT2 is on the minus strand). VCF-style: chr12-56355758-G-A. GRCh37 (hg19) VCF-style: chr12-56749542-G-A.
Other names: c.331C>T, p.Leu111Phe (LRG_1329t1); c.319C>T, p.Leu107Phe (NM_198332.2); short protein forms L111F, L107F.
Identifiers: ClinVar variation 576314 (VCV000576314.7), dbSNP rs199890161, ClinGen allele CA6630897.

ClinVar aggregate classification (germline): Uncertain significance. Review status: criteria provided, multiple submitters, no conflicts (2 of 4 stars). 2 submissions from 2 submitters: Uncertain significance (2). Last evaluated 2022-08-23.

Conditions:
Primary immunodeficiency with post-measles-mumps-rubella vaccine viral infection. Also called: Immunodeficiency 44. Identifiers: Orphanet 431166, MedGen C4225260, MONDO:0014715, OMIM 616636.

Allele frequency attached by ClinVar (database versions not stated): gnomAD exomes 0.00002; gnomAD 0.00003; TOPMed 0.00003; ExAC 0.00004; ESP Exome Variant Server 0.00015; 1000 Genomes Project 30x 0.00016; 1000 Genomes Project 0.00020.
gnomAD v4.1: 92 of 1,614,120 alleles (0.0057%); highest among the groups gnomAD compares: Non-Finnish European, 0.007%; no homozygotes.

Submissions (2):

Labcorp Genetics (formerly Invitae), Labcorp
Classification: Uncertain significance for Primary immunodeficiency with post-measles-mumps-rubella vaccine viral infection. Last evaluated: 2022-08-23. Review status: criteria provided, single submitter. Criteria: Invitae Variant Classification Sherloc (09022015). Collection method: clinical testing. Allele origin: germline.
Comment: This sequence change replaces leucine, which is neutral and non-polar, with phenylalanine, which is neutral and non-polar, at codon 111 of the STAT2 protein (p.Leu111Phe). This variant is present in population databases (rs199890161, gnomAD 0.005%). This variant has not been reported in the literature in individuals affected with STAT2-related conditions. ClinVar contains an entry for this variant (Variation ID: 576314). Advanced modeling of protein sequence and biophysical properties (such as structural, functional, and spatial information, amino acid conservation, physicochemical variation, residue mobility, and thermodynamic stability) performed at Invitae indicates that this missense variant is not expected to disrupt STAT2 protein function. In summary, the available evidence is currently insufficient to determine the role of this variant in disease. Therefore, it has been classified as a Variant of Uncertain Significance.

Baylor Genetics
Classification: Uncertain significance for Primary immunodeficiency with post-measles-mumps-rubella vaccine viral infection. Last evaluated: 2018-03-14. Review status: criteria provided, single submitter. Criteria: ACMG Guidelines, 2015. Collection method: clinical testing. Allele origin: paternal. Affected: yes.
Comment: This variant was determined to be of uncertain significance according to ACMG Guidelines, 2015 [PMID:25741868].